The following is an entry in ClinVar:

ClinVar aggregate classification (germline): Likely benign. Review status: criteria provided, multiple submitters, no conflicts (2 of 4 stars). 3 submissions from 3 submitters: Likely benign (2). 1 of the submissions does not count toward it. Last evaluated 2025-12-01.

Conditions:
ABCA2-related disorder. Also called: ABCA2-related condition.

Allele frequency attached by ClinVar (database versions not stated): gnomAD exomes 0.00006; TOPMed 0.00017; ESP Exome Variant Server 0.00025; ExAC 0.00026; gnomAD 0.00027; 1000 Genomes Project 0.00160; 1000 Genomes Project 30x 0.00187.
gnomAD v4.1: 141 of 1,611,926 alleles (0.0087%); highest among the groups gnomAD compares: East Asian, 0.17%; no homozygotes.

Submissions (3):

CeGaT Center for Human Genetics Tuebingen
Classification: Likely benign. Last evaluated: 2025-12-01. Review status: criteria provided, single submitter. Criteria: CeGaT Center For Human Genetics Tuebingen Variant Classification Criteria Version 2. Collection method: clinical testing. Allele origin: germline. Affected: yes. Observed: 1 variant allele.
Comment: ABCA2: BP4, BP7

Blueprint Genetics
Classification: Likely benign. Last evaluated: 2024-10-23. Review status: criteria provided, single submitter. Criteria: ACMG Guidelines, 2015. Collection method: clinical testing. Allele origin: germline.

PreventionGenetics, part of Exact Sciences
Classification: Likely benign for ABCA2-related condition. Last evaluated: 2019-10-02. Review status: no assertion criteria provided. Collection method: clinical testing. Allele origin: germline. Not counted in ClinVar's aggregate classification.
Comment: This variant is classified as likely benign based on ACMG/AMP sequence variant interpretation guidelines (Richards et al. 2015 PMID: 25741868, with internal and published modifications).

NM_001606.5(ABCA2):c.5808G>A (p.Lys1936=)

Genes: ABCA2 (ATP binding cassette subfamily A member 2; minus strand), LOC126860796 (CDK7 strongly-dependent group 2 enhancer GRCh37_chr9:139904888-139906087; plus strand). Cytogenetic location: 9q34.3.
Variant type: single nucleotide variant.
Coding change: c.5808G>A on transcript NM_001606.5 (MANE Select); coding-DNA position 5808, G replaced by A.
Protein change: p.Lys1936=; no amino-acid change (lysine 1936 retained).
Molecular consequence: synonymous variant.
Genome position (GRCh38, 1-based): chr9:137,011,301, C>T on the plus strand (G>A on the coding strand, the complement: ABCA2 is on the minus strand). VCF-style: chr9-137011301-C-T. GRCh37 (hg19) VCF-style: chr9-139905753-C-T.
Other names: c.5805G>A, p.Lys1935= (NM_001411042.1); c.5898G>A, p.Lys1966= (NM_212533.3).
Identifiers: ClinVar variation 3045894 (VCV003045894.8), dbSNP rs145591245, ClinGen allele CA5353847.